The following is an entry in ClinVar:

NM_021224.6(ZNF462):c.988_992delinsGGCAACTCCAT (p.Arg330_Pro331delinsGlyAsnSerIle)

Gene: ZNF462 (zinc finger protein 462; plus strand). Cytogenetic location: 9q31.2.
Variant type: Indel.
Coding change: c.988_992delinsGGCAACTCCAT on transcript NM_021224.6 (MANE Select); coding-DNA positions 988 to 992, AGACC replaced by GGCAACTCCAT.
Protein change: p.Arg330_Pro331delinsGlyAsnSerIle.
Molecular consequence: inframe indel.
Genome position (GRCh38, 1-based): chr9:106,924,900-106,924,904, AGACC replaced by GGCAACTCCAT. VCF-style: chr9-106924900-AGACC-GGCAACTCCAT. GRCh37 (hg19) VCF-style: chr9-109687181-AGACC-GGCAACTCCAT.
Other names: c.988_992delinsGGCAACTCCAT, p.Arg330_Pro331delinsGlyAsnSerIle (NM_001347997.2).
Identifiers: ClinVar variation 3902688 (VCV003902688.1).

ClinVar aggregate classification (germline): Uncertain significance (1 of 4 stars; one submission).

Submission:

Women's Health and Genetics/Laboratory Corporation of America, LabCorp
Classification: Uncertain significance. Last evaluated: 2025-05-30. Review status: criteria provided, single submitter. Criteria: LabCorp Variant Classification Summary - May 2015. Collection method: clinical testing. Allele origin: germline.
Comment: Variant summary: ZNF462 c.988_992delinsGGCAACTCCAT (p.Arg330_Pro331delinsGlyAsnSerIle) results in an in-frame deletion-insertion that is predicted to delete 2 amino acids from the protein and also insert 4 amino acids. The variant allele was found at a frequency of 4e-06 in 251456 control chromosomes (gnomAD). The available data on variant occurrences in the general population are insufficient to allow any conclusion about variant significance. To our knowledge, no occurrence of c.988_992delins11 in individuals affected with Weiss-Kruszka Syndrome and no experimental evidence demonstrating its impact on protein function have been reported. No submitters have cited clinical-significance assessments for this variant to ClinVar. Based on the evidence outlined above, the variant was classified as uncertain significance.